The following is an entry in ClinVar:

NM_020247.5(COQ8A):c.1532C>T (p.Thr511Met)

Gene: COQ8A (coenzyme Q8A; plus strand). Cytogenetic location: 1q42.13.
Variant type: single nucleotide variant.
Coding change: c.1532C>T on transcript NM_020247.5 (MANE Select); coding-DNA position 1532, C replaced by T.
Protein change: p.Thr511Met; replaces threonine 511 with methionine.
Molecular consequence: missense variant.
Genome position (GRCh38, 1-based): chr1:226,984,901, C>T. VCF-style: chr1-226984901-C-T. GRCh37 (hg19) VCF-style: chr1-227172602-C-T.
Other names: short protein forms T511M.
Identifiers: ClinVar variation 210097 (VCV000210097.17), dbSNP rs578189699, ClinGen allele CA208527.

ClinVar aggregate classification (germline): Likely pathogenic. Review status: criteria provided, multiple submitters, no conflicts (2 of 4 stars). 5 submissions from 5 submitters: Likely pathogenic (5). Last evaluated 2025-10-12.

Conditions:
COQ8A-related disorders.
Autosomal recessive ataxia due to ubiquinone deficiency. Also called: SPINOCEREBELLAR ATAXIA, AUTOSOMAL RECESSIVE 9; Coenzyme Q10 deficiency, primary, 4. Identifiers: Orphanet 139485, MedGen C2677589, MONDO:0012784, OMIM 612016.

Allele frequency attached by ClinVar (database versions not stated): gnomAD 0.00004 and 0.00005; ExAC 0.00005; gnomAD exomes 0.00005 and 0.00006; TOPMed 0.00006.
gnomAD v4.1: 88 of 1,614,040 alleles (0.0055%); highest among the groups gnomAD compares: Admixed American, 0.015%; no homozygotes.

Submissions (5):

Labcorp Genetics (formerly Invitae), Labcorp
Classification: Likely pathogenic. Last evaluated: 2025-10-12. Review status: criteria provided, single submitter. Criteria: Invitae Variant Classification Sherloc (09022015). Collection method: clinical testing. Allele origin: germline.
Comment: This sequence change replaces threonine, which is neutral and polar, with methionine, which is neutral and non-polar, at codon 511 of the COQ8A protein (p.Thr511Met). This variant is present in population databases (rs578189699, gnomAD 0.01%). This missense change has been observed in individuals with clinical features of coenzyme Q10 deficiency (PMID: 29915382, 30637285, 37636224). ClinVar contains an entry for this variant (Variation ID: 210097). Invitae Evidence Modeling of protein sequence and biophysical properties (such as structural, functional, and spatial information, amino acid conservation, physicochemical variation, residue mobility, and thermodynamic stability) has been performed for this missense variant. However, the output from this modeling did not meet the statistical confidence thresholds required to predict the impact of this variant on COQ8A protein function. In summary, the currently available evidence indicates that the variant is pathogenic, but additional data are needed to prove that conclusively. Therefore, this variant has been classified as Likely Pathogenic.

Athena Diagnostics
Classification: Likely pathogenic. Last evaluated: 2024-02-02. Review status: criteria provided, single submitter. Criteria: Athena Diagnostics Criteria. Collection method: clinical testing. Allele origin: unknown.
Comment: The frequency of this variant in the general population is consistent with pathogenicity. This variant has been identified in at least one individual with clinical features associated with this gene, and who responded to treatment with CoQ10 supplements. Computational tools predict that this variant is damaging.

Blueprint Genetics
Classification: Likely pathogenic for COQ8A-related disorders. Last evaluated: 2023-12-29. Review status: criteria provided, single submitter. Criteria: ACMG Guidelines, 2015. Collection method: clinical testing. Allele origin: germline. Affected: yes. Observed: 4 variant alleles.

GeneDx
Classification: Likely pathogenic. Last evaluated: 2022-10-13. Review status: criteria provided, single submitter. Criteria: GeneDx Variant Classification Process June 2021. Collection method: clinical testing. Allele origin: germline. Affected: yes.
Comment: Not observed at significant frequency in large population cohorts (gnomAD); In silico analysis supports that this missense variant has a deleterious effect on protein structure/function; This variant is associated with the following publications: (PMID: 31589614, 33677064, 34638552, 30637285, 29915382)

Genetic Services Laboratory, University of Chicago
Classification: Likely pathogenic for Coenzyme Q10 deficiency, primary, 4. Last evaluated: 2015-05-19. Review status: criteria provided, single submitter. Criteria: ACMG Guidelines, 2015. Collection method: clinical testing. Allele origin: germline. Affected: yes.

Literature cited by the submitters: PubMed 29915382 (cited by Labcorp Genetics (formerly Invitae), Labcorp and Athena Diagnostics); PubMed 30637285 (cited by Labcorp Genetics (formerly Invitae), Labcorp and Athena Diagnostics); PubMed 37636224 (cited by Labcorp Genetics (formerly Invitae), Labcorp and Athena Diagnostics); PubMed 32337771 (cited by Athena Diagnostics); PubMed 31589614 (cited by Athena Diagnostics).